The following is an entry in ClinVar:

ClinVar aggregate classification (germline): Likely benign (1 of 4 stars; one submission).

Submission:

CeGaT Center for Human Genetics Tuebingen
Classification: Likely benign. Last evaluated: 2025-12-01. Review status: criteria provided, single submitter. Criteria: CeGaT Center For Human Genetics Tuebingen Variant Classification Criteria Version 2. Collection method: clinical testing. Allele origin: germline. Affected: yes. Observed: 1 variant allele.
Comment: UGT2A1: BP4

NM_001252275.3(UGT2A1):c.716-7_716-4del

Genes: UGT2A1 (UDP glucuronosyltransferase family 2 member A1 complex locus; minus strand), UGT2A2 (UDP glucuronosyltransferase family 2 member A2; minus strand). Cytogenetic location: 4q13.3.
Variant type: Deletion.
Coding change: c.716-7_716-4del on transcript NM_001252275.3 (MANE Select); 7 bases into the intron before coding-DNA position 716 through 4 bases into the intron before coding-DNA position 716, 4 bases deleted (TGGT; older notation c.716-7_716-4delTGGT).
Molecular consequence: intron variant.
Genome position (GRCh38, 1-based): chr4:69,635,826-69,635,829, ACCA deleted on the plus strand (TGGT on the coding strand, the reverse complement: UGT2A1 is on the minus strand); deleting any 4 consecutive bases within chr4:69,635,826-69,635,830 gives the same sequence; the c. name uses the placement nearest the transcript's 3' end. VCF-style (leftmost placement, unchanged base first): chr4-69635825-CACCA-C. GRCh37 (hg19) VCF-style: chr4-70501543-CACCA-C.
Other names: c.715+11101_715+11104del (NM_001301239.2, NM_006798.5); c.1345+3070_1345+3073del (NM_001252274.3, NM_001389565.1); c.742+3070_742+3073del (NM_001301233.1, NM_001105677.2).
Identifiers: ClinVar variation 4681661 (VCV004681661.5).